The following is an entry in ClinVar:

ClinVar aggregate classification (germline): Uncertain significance (1 of 4 stars; one submission).

Allele frequency attached by ClinVar (database versions not stated): ExAC 0.00001; gnomAD exomes 0.00001; gnomAD 0.00002; TOPMed 0.00002; ESP Exome Variant Server 0.00008.
gnomAD v4.1: 16 of 1,612,624 alleles (0.00099%); highest among the groups gnomAD compares: East Asian, 0.0045%; no homozygotes.

Submission:

Labcorp Genetics (formerly Invitae), Labcorp
Classification: Uncertain significance. Last evaluated: 2025-11-26. Review status: criteria provided, single submitter. Criteria: Invitae Variant Classification Sherloc (09022015). Collection method: clinical testing. Allele origin: germline.
Comment: This sequence change replaces arginine, which is basic and polar, with tryptophan, which is neutral and slightly polar, at codon 307 of the SEPT9 protein (p.Arg307Trp). This variant is present in population databases (rs373846647, gnomAD 0.006%). This variant has not been reported in the literature in individuals affected with SEPT9-related conditions. ClinVar contains an entry for this variant (Variation ID: 1682630). Invitae Evidence Modeling of protein sequence and biophysical properties (such as structural, functional, and spatial information, amino acid conservation, physicochemical variation, residue mobility, and thermodynamic stability) indicates that this missense variant is expected to disrupt SEPT9 protein function with a positive predictive value of 80%. In summary, the available evidence is currently insufficient to determine the role of this variant in disease. Therefore, it has been classified as a Variant of Uncertain Significance.

NM_001113491.2(SEPTIN9):c.973C>T (p.Arg325Trp)

Gene: SEPTIN9 (septin 9; plus strand). Cytogenetic location: 17q25.3.
Variant type: single nucleotide variant.
Coding change: c.973C>T on transcript NM_001113491.2 (MANE Select); coding-DNA position 973, C replaced by T.
Protein change: p.Arg325Trp; replaces arginine 325 with tryptophan.
Molecular consequence: missense variant.
Genome position (GRCh38, 1-based): chr17:77,487,483, C>T. VCF-style: chr17-77487483-C-T. GRCh37 (hg19) VCF-style: chr17-75483565-C-T.
Other names: c.481C>T, p.Arg161Trp (NM_001113492.2, NM_001113494.1); c.952C>T, p.Arg318Trp (NM_001113493.2); c.220C>T, p.Arg74Trp (NM_001113495.2, NM_001113496.2, NM_001293697.2 and 1 more transcripts); c.916C>T, p.Arg306Trp (NM_001293695.2); c.301C>T, p.Arg101Trp (NM_001293696.2); c.919C>T, p.Arg307Trp (NM_006640.5); short protein forms R101W, R161W, R306W, R307W, R318W, R325W, R74W.
Identifiers: ClinVar variation 1682630 (VCV001682630.7), dbSNP rs373846647, ClinGen allele CA8793619.